The following is an entry in ClinVar:

NM_000384.3(APOB):c.9508G>T (p.Asp3170Tyr)

Gene: APOB (apolipoprotein B; minus strand). Cytogenetic location: 2p24.1.
Variant type: single nucleotide variant.
Coding change: c.9508G>T on transcript NM_000384.3 (MANE Select); coding-DNA position 9508, G replaced by T.
Protein change: p.Asp3170Tyr; replaces aspartic acid 3170 with tyrosine.
Molecular consequence: missense variant.
Genome position (GRCh38, 1-based): chr2:21,007,360, C>A on the plus strand (G>T on the coding strand, the complement: APOB is on the minus strand). VCF-style: chr2-21007360-C-A. GRCh37 (hg19) VCF-style: chr2-21230232-C-A.
Other names: short protein forms D3170Y.
Identifiers: ClinVar variation 3885040 (VCV003885040.1).

ClinVar aggregate classification (germline): Uncertain significance (1 of 4 stars; one submission).

Conditions:
Cardiovascular phenotype. Identifiers: MedGen CN230736.

gnomAD v4.1: 3 of 1,613,970 alleles (0.00019%); highest among the groups gnomAD compares: Middle Eastern, 0.017%; no homozygotes.

Submission:

Ambry Genetics
Classification: Uncertain significance for Cardiovascular phenotype. Last evaluated: 2024-12-28. Review status: criteria provided, single submitter. Criteria: Ambry Variant Classification Scheme 2023. Collection method: clinical testing. Allele origin: germline.
Comment: The p.D3170Y variant (also known as c.9508G>T), located in coding exon 26 of the APOB gene, results from a G to T substitution at nucleotide position 9508. The aspartic acid at codon 3170 is replaced by tyrosine, an amino acid with highly dissimilar properties. This amino acid position is conserved. In addition, the in silico prediction for this alteration is inconclusive. Based on the available evidence, the clinical significance of this variant remains unclear.